The following is an entry in ClinVar:

ClinVar aggregate classification (germline): Uncertain significance (1 of 4 stars; one submission).

Conditions:
Hereditary cancer-predisposing syndrome. Also called: Neoplastic Syndromes, Hereditary; Tumor predisposition; Hereditary Cancer Syndrome; Hereditary neoplastic syndrome. Identifiers: Orphanet 140162, MedGen C0027672, MeSH D009386, MONDO:0015356.

Submission:

Ambry Genetics
Classification: Uncertain significance for Hereditary cancer-predisposing syndrome. Last evaluated: 2026-07-08. Review status: criteria provided, single submitter. Criteria: Ambry Variant Classification Scheme 2023. Collection method: clinical testing. Allele origin: germline.
Comment: The p.Y876C variant (also known as c.2627A>G), located in coding exon 16 of the CDH1 gene, results from an A to G substitution at nucleotide position 2627. The tyrosine at codon 876 is replaced by cysteine, an amino acid with highly dissimilar properties. This amino acid position is highly conserved in available vertebrate species. In addition, this alteration is predicted to be deleterious by in silico analysis. Based on the available evidence, the clinical significance of this variant remains unclear.

NM_004360.5(CDH1):c.2627A>G (p.Tyr876Cys)

Gene: CDH1 (cadherin 1; plus strand). Cytogenetic location: 16q22.1.
Variant type: single nucleotide variant.
Coding change: c.2627A>G on transcript NM_004360.5 (MANE Select); coding-DNA position 2627, A replaced by G.
Protein change: p.Tyr876Cys; replaces tyrosine 876 with cysteine.
Molecular consequence: missense variant.
Genome position (GRCh38, 1-based): chr16:68,833,477, A>G. VCF-style: chr16-68833477-A-G. GRCh37 (hg19) VCF-style: chr16-68867380-A-G.
Other names: c.2444A>G, p.Tyr815Cys (NM_001317184.2); c.1079A>G, p.Tyr360Cys (NM_001317185.2); c.662A>G, p.Tyr221Cys (NM_001317186.2); short protein forms Y221C, Y815C, Y360C, Y876C.
Identifiers: ClinVar variation 3265135 (VCV003265135.2).